The following is an entry in ClinVar:

NM_000719.7(CACNA1C):c.98A>G (p.Asn33Ser)

Gene: CACNA1C (calcium voltage-gated channel subunit alpha1 C; plus strand). Cytogenetic location: 12p13.33.
Variant type: single nucleotide variant.
Coding change: c.98A>G on transcript NM_000719.7 (MANE Select); coding-DNA position 98, A replaced by G.
Protein change: p.Asn33Ser; replaces asparagine 33 with serine.
Molecular consequence: missense variant.
Genome position (GRCh38, 1-based): chr12:2,115,272, A>G. VCF-style: chr12-2115272-A-G. GRCh37 (hg19) VCF-style: chr12-2224438-A-G.
Other names: p.N33S:AAT>AGT; c.98A>G, p.Asn33Ser (NM_001129827.2, NM_001129829.2, NM_001129830.3 and 19 more transcripts); short protein forms N33S.
Identifiers: ClinVar variation 190679 (VCV000190679.31), dbSNP rs535608443, ClinGen allele CA301575.

ClinVar aggregate classification (germline): Conflicting classifications of pathogenicity. Review status: criteria provided, conflicting classifications (1 of 4 stars). 6 submissions from 6 submitters: Uncertain significance (3); Likely benign (3). Last evaluated 2026-02-03.

Conditions:
CACNA1C-related disorder. Also called: CACNA1C-related disorders; CACNA1C-related condition. Identifiers: MedGen CN381092, MONDO:0700321.
Cardiovascular phenotype. Identifiers: MedGen CN230736.
Brugada syndrome 3 (BRGDA3). Identifiers: Orphanet 130, MedGen C2678478, MONDO:0012742, OMIM 611875.
Timothy syndrome (TS). Also called: LONG QT SYNDROME WITH SYNDACTYLY. Identifiers: Orphanet 65283, MedGen C1832916, MeSH C536962, MONDO:0010979, OMIM 601005.
Long QT syndrome (LQTS). Identifiers: MedGen C0023976, MeSH D008133, MONDO:0002442. Disease mechanism: loss of function. Inheritance: Various modes of inheritance.

Allele frequency attached by ClinVar (database versions not stated): TOPMed 0.00010; gnomAD 0.00001; gnomAD exomes 0.00002.
gnomAD v4.1: 92 of 1,591,964 alleles (0.0058%); highest among the groups gnomAD compares: East Asian, 0.011%; no homozygotes.

Submissions (6):

PreventionGenetics, part of Exact Sciences
Classification: Uncertain significance for CACNA1C-related condition. Last evaluated: 2026-02-03. Review status: criteria provided, single submitter. Criteria: ACMG Guidelines, 2015. Collection method: clinical testing. Allele origin: germline.
Comment: The CACNA1C c.98A>G variant is predicted to result in the amino acid substitution p.Asn33Ser. To our knowledge, this variant has not been reported in the literature. This variant is reported in 0.0047% of alleles in individuals of African descent in gnomAD. At this time, the clinical significance of this variant is uncertain due to the absence of conclusive functional and genetic evidence.

Labcorp Genetics (formerly Invitae), Labcorp
Classification: Likely benign for Long QT syndrome. Last evaluated: 2026-01-27. Review status: criteria provided, single submitter. Criteria: Invitae Variant Classification Sherloc (09022015). Collection method: clinical testing. Allele origin: germline.

Blueprint Genetics
Classification: Likely benign. Last evaluated: 2024-11-01. Review status: criteria provided, single submitter. Criteria: ACMG Guidelines, 2015. Collection method: clinical testing. Allele origin: germline.

Ambry Genetics
Classification: Likely benign for Cardiovascular phenotype. Last evaluated: 2024-07-08. Review status: criteria provided, single submitter. Criteria: Ambry Variant Classification Scheme 2023. Collection method: clinical testing. Allele origin: germline.

GeneDx
Classification: Uncertain significance. Last evaluated: 2020-04-02. Review status: criteria provided, single submitter. Criteria: GeneDx Variant Classification Process June 2021. Collection method: clinical testing. Allele origin: germline. Affected: yes.
Comment: Has not been previously published as pathogenic or benign to our knowledge; Reported in ClinVar as a variant of uncertain significance (ClinVar Variant ID# 190679; Landrum et al., 2016); In silico analysis supports that this missense variant has a deleterious effect on protein structure/function

Fulgent Genetics
Classification: Uncertain significance for Timothy syndrome; Brugada syndrome 3. Last evaluated: 2018-10-31. Review status: criteria provided, single submitter. Criteria: ACMG Guidelines, 2015. Collection method: clinical testing. Allele origin: unknown.